The following is an entry in ClinVar:

NM_000834.5(GRIN2B):c.1068C>A (p.Tyr356Ter)

Gene: GRIN2B (glutamate ionotropic receptor NMDA type subunit 2B; minus strand). Cytogenetic location: 12p13.1.
Variant type: single nucleotide variant.
Coding change: c.1068C>A on transcript NM_000834.5 (MANE Select); coding-DNA position 1068, C replaced by A.
Protein change: p.Tyr356Ter; replaces tyrosine 356 with a stop codon.
Molecular consequence: nonsense.
Genome position (GRCh38, 1-based): chr12:13,675,802, G>T on the plus strand (C>A on the coding strand, the complement: GRIN2B is on the minus strand). VCF-style: chr12-13675802-G-T. GRCh37 (hg19) VCF-style: chr12-13828736-G-T.
Other names: c.1068C>A, p.Tyr356Ter (NM_001413992.1); short protein forms Y356*.
Identifiers: ClinVar variation 3066349 (VCV003066349.1), dbSNP rs1201643405, ClinGen allele CA384050765.

ClinVar aggregate classification (germline): Likely pathogenic (1 of 4 stars; one submission).

Conditions:
Intellectual developmental disorder, autosomal dominant 6, with or without seizures. Also called: GRIN2B-related developmental delay, intellectual disability and autism spectrum disorder; Intellectual disability, autosomal dominant 6. Identifiers: Orphanet 589547, MedGen C3151411, MONDO:0013509, OMIM 613970.

Submission:

MVZ Medizinische Genetik Mainz
Classification: Likely pathogenic for Intellectual developmental disorder, autosomal dominant 6, with or without seizures. Last evaluated: 2023-07-07. Review status: criteria provided, single submitter. Criteria: UK Practice Guidelines For Variant Classification V4 01 2020. Collection method: clinical testing. Allele origin: germline. Inheritance: Autosomal dominant inheritance. Affected: yes. Observed: 1 variant allele.
Comment: ACMG Criteria: PVS1, PM2_SUP